The following is an entry in ClinVar:

NM_001113378.2(FANCI):c.2753C>T (p.Ala918Val)

Gene: FANCI (FA complementation group I; plus strand). Cytogenetic location: 15q26.1.
Variant type: single nucleotide variant.
Coding change: c.2753C>T on transcript NM_001113378.2 (MANE Select); coding-DNA position 2753, C replaced by T.
Protein change: p.Ala918Val; replaces alanine 918 with valine.
Molecular consequence: missense variant.
Genome position (GRCh38, 1-based): chr15:89,299,916, C>T. VCF-style: chr15-89299916-C-T. GRCh37 (hg19) VCF-style: chr15-89843147-C-T.
Other names: c.2474C>T, p.Ala825Val (NM_001376910.1); c.2753C>T, p.Ala918Val (NM_001376911.1); c.2573C>T, p.Ala858Val (NM_018193.3); c.2753C>T (NM_001113378.1); short protein forms A825V, A918V, A858V.
Identifiers: ClinVar variation 1430189 (VCV001430189.7), dbSNP rs748546731, ClinGen allele CA7723451.
Genomic context (GRCh38, chr15:89,299,916, plus strand): 5'-AAGAGAAAGGAAAGAGCATCTCACTGCTGTGCTTGGAGGGTTTACAGAAAATATTCAGTG[C>T]TGTGCAACAGTTCTATCAGCCCAAGATTCAGCAGTTTCTCAGAGCTCTGGGTAAGCATTG-3'
Protein context (NP_001106849.1, residues 908-928): CLEGLQKIFS[Ala918Val]VQQFYQPKIQ

ClinVar aggregate classification (germline): Uncertain significance. Review status: criteria provided, multiple submitters, no conflicts (2 of 4 stars). 3 submissions from 3 submitters: Uncertain significance (3). Last evaluated 2025-06-07.

Conditions:
Inborn genetic diseases. Identifiers: MedGen C0950123, MeSH D030342.
Fanconi anemia (FA). Also called: Fanconi's anemia. Identifiers: Orphanet 84, MedGen C0015625, MeSH D005199, MONDO:0019391.
Fanconi anemia complementation group I (FANCI). Also called: FANCI-Related Fanconi Anemia. Identifiers: Orphanet 84, MedGen C1836861, MONDO:0012186, OMIM 609053.

Allele frequency attached by ClinVar (database versions not stated): gnomAD 0.00001; gnomAD exomes 0.00001 and 0.00006; ExAC 0.00002; TOPMed 0.00002.
gnomAD v4.1: 22 of 1,613,958 alleles (0.0014%); highest among the groups gnomAD compares: Admixed American, 0.032%; no homozygotes.

Submissions (3):

Ambry Genetics
Classification: Uncertain significance for Inborn genetic diseases. Last evaluated: 2025-06-07. Review status: criteria provided, single submitter. Criteria: Ambry Variant Classification Scheme 2023. Collection method: clinical testing. Allele origin: germline.

Labcorp Genetics (formerly Invitae), Labcorp
Classification: Uncertain significance for Fanconi anemia. Last evaluated: 2022-10-04. Review status: criteria provided, single submitter. Criteria: Invitae Variant Classification Sherloc (09022015). Collection method: clinical testing. Allele origin: germline.
Comment: This sequence change replaces alanine, which is neutral and non-polar, with valine, which is neutral and non-polar, at codon 918 of the FANCI protein (p.Ala918Val). This variant is present in population databases (rs748546731, gnomAD 0.05%). This variant has not been reported in the literature in individuals affected with FANCI-related conditions. ClinVar contains an entry for this variant (Variation ID: 1430189). Algorithms developed to predict the effect of missense changes on protein structure and function output the following: SIFT: "Tolerated"; PolyPhen-2: "Benign"; Align-GVGD: "Class C0". The valine amino acid residue is found in multiple mammalian species, which suggests that this missense change does not adversely affect protein function. In summary, the available evidence is currently insufficient to determine the role of this variant in disease. Therefore, it has been classified as a Variant of Uncertain Significance.

Fulgent Genetics
Classification: Uncertain significance for Fanconi anemia complementation group I. Last evaluated: 2022-01-12. Review status: criteria provided, single submitter. Criteria: ACMG Guidelines, 2015. Collection method: clinical testing. Allele origin: unknown.